The following is an entry in ClinVar:

NM_001349884.2(DRAM2):c.333C>A (p.Asn111Lys)

Gene: DRAM2 (DNA damage regulated autophagy modulator 2; minus strand). Cytogenetic location: 1p13.3.
Variant type: single nucleotide variant.
Coding change: c.333C>A on transcript NM_001349884.2 (MANE Select); coding-DNA position 333, C replaced by A.
Protein change: p.Asn111Lys; replaces asparagine 111 with lysine.
Molecular consequence: missense variant. On other transcripts: 5 prime UTR variant (1), non-coding transcript variant (3), intron variant (7).
Genome position (GRCh38, 1-based): chr1:111,124,748, G>T on the plus strand (C>A on the coding strand, the complement: DRAM2 is on the minus strand). VCF-style: chr1-111124748-G-T. GRCh37 (hg19) VCF-style: chr1-111667370-G-T.
Other names: c.333C>A, p.Asn111Lys (NM_001349881.2, NM_001349882.2, NM_001349885.2 and 1 more transcripts); c.-86C>A (NM_001349891.2); c.-52+1479C>A (NM_001349889.2, NM_001349890.2, NM_001349892.2 and 1 more transcripts); c.41+1479C>A (NM_001349887.2, NM_001349886.2, NM_001349888.2); short protein forms N111K.
Identifiers: ClinVar variation 2121925 (VCV002121925.4), dbSNP rs1173661034, ClinGen allele CA341819149.

ClinVar aggregate classification (germline): Uncertain significance (1 of 4 stars; one submission).

Submission:

Labcorp Genetics (formerly Invitae), Labcorp
Classification: Uncertain significance. Last evaluated: 2022-04-06. Review status: criteria provided, single submitter. Criteria: Invitae Variant Classification Sherloc (09022015). Collection method: clinical testing. Allele origin: germline.
Comment: In summary, the available evidence is currently insufficient to determine the role of this variant in disease. Therefore, it has been classified as a Variant of Uncertain Significance. Algorithms developed to predict the effect of missense changes on protein structure and function (SIFT, PolyPhen-2, Align-GVGD) all suggest that this variant is likely to be disruptive. This variant has not been reported in the literature in individuals affected with DRAM2-related conditions. This variant is not present in population databases (gnomAD no frequency). This sequence change replaces asparagine, which is neutral and polar, with lysine, which is basic and polar, at codon 111 of the DRAM2 protein (p.Asn111Lys).